The following is an entry in ClinVar:

ClinVar aggregate classification (germline): Conflicting classifications of pathogenicity. Review status: criteria provided, conflicting classifications (1 of 4 stars). 4 submissions from 4 submitters: Uncertain significance (1); Likely benign (1). 2 of the submissions do not count toward it. Last evaluated 2026-07-01.

Conditions:
EP300-related disorder. Also called: EP300-related condition; EP300-related disorders.
Rubinstein-Taybi syndrome due to EP300 haploinsufficiency. Also called: EP300-Related Rubinstein-Taybi Syndrome; RUBINSTEIN-TAYBI SYNDROME 2. Identifiers: Orphanet 353284, Orphanet 783, MedGen C3150941, MONDO:0013364, OMIM 613684.

Allele frequency attached by ClinVar (database versions not stated): gnomAD 0.00001; gnomAD exomes 0.00001; ExAC 0.00002; TOPMed 0.00002; ESP Exome Variant Server 0.00008.

Submissions (4):

CeGaT Center for Human Genetics Tuebingen
Classification: Likely benign. Last evaluated: 2026-07-01. Review status: criteria provided, single submitter. Criteria: CeGaT Center For Human Genetics Tuebingen Variant Classification Criteria Version 2. Collection method: clinical testing. Allele origin: germline. Affected: yes. Observed: 1 variant allele.
Comment: EP300: BP4

Labcorp Genetics (formerly Invitae), Labcorp
Classification: Uncertain significance for Rubinstein-Taybi syndrome due to EP300 haploinsufficiency. Last evaluated: 2023-07-17. Review status: criteria provided, single submitter. Criteria: Invitae Variant Classification Sherloc (09022015). Collection method: clinical testing. Allele origin: germline.
Comment: Variants that disrupt the consensus splice site are a relatively common cause of aberrant splicing (PMID: 17576681, 9536098). Algorithms developed to predict the effect of sequence changes on RNA splicing suggest that this variant is not likely to affect RNA splicing. ClinVar contains an entry for this variant (Variation ID: 977899). This variant has not been reported in the literature in individuals affected with EP300-related conditions. This variant is present in population databases (rs780518563, gnomAD 0.006%). This sequence change falls in intron 25 of the EP300 gene. It does not directly change the encoded amino acid sequence of the EP300 protein. It affects a nucleotide within the consensus splice site. In summary, the available evidence is currently insufficient to determine the role of this variant in disease. Therefore, it has been classified as a Variant of Uncertain Significance.

PreventionGenetics, part of Exact Sciences
Classification: Likely benign for EP300-related condition. Last evaluated: 2024-04-10. Review status: no assertion criteria provided. Collection method: clinical testing. Allele origin: germline. Not counted in ClinVar's aggregate classification.
Comment: This variant is classified as likely benign based on ACMG/AMP sequence variant interpretation guidelines (Richards et al. 2015 PMID: 25741868, with internal and published modifications).

Service de Génétique Moléculaire, Hôpital Robert Debré
Classification: Likely benign for Rubinstein-Taybi syndrome due to EP300 haploinsufficiency. Review status: no assertion criteria provided. Collection method: clinical testing. Allele origin: unknown. Affected: yes. Not counted in ClinVar's aggregate classification.

Literature cited by the submitters: PubMed 17576681 (cited by Labcorp Genetics (formerly Invitae), Labcorp); PubMed 9536098 (cited by Labcorp Genetics (formerly Invitae), Labcorp).

NM_001429.4(EP300):c.4172+5del

Gene: EP300 (EP300 lysine acetyltransferase; plus strand). Cytogenetic location: 22q13.2.
Variant type: Deletion.
Coding change: c.4172+5del on transcript NM_001429.4 (MANE Select); 5 bases into the intron after coding-DNA position 4172, one base deleted (G; older notation c.4172+5delG).
Molecular consequence: intron variant.
Genome position (GRCh38, 1-based): chr22:41,168,872, G deleted. VCF-style (leftmost placement, unchanged base first): chr22-41168871-TG-T. GRCh37 (hg19) VCF-style: chr22-41564875-TG-T.
Other names: c.4172+5delG (NM_001429.4, NM_001429.3); c.4094+5del (NM_001362843.2).
Identifiers: ClinVar variation 977899 (VCV000977899.6), dbSNP rs780518563, ClinGen allele CA10253340.
Genomic context (GRCh38, chr22:41,168,871, plus strand): 5'-CTTCTTTGGCATGCATGTTCAAGAGTATGGCTCTGACTGCCCTCCACCCAACCAGAGGTA[TG>T]ACTAGCTCACAGTGGCTAGCTCCGGATTTGTGTGGGAGTTCCAACTTATAATAGGTGGAA-3'